The following is an entry in ClinVar:

NM_000097.7(CPOX):c.337C>T (p.Leu113=)

Genes: CPOX (coproporphyrinogen oxidase; minus strand), LOC129937121 (ATAC-STARR-seq lymphoblastoid silent region 14560; plus strand). Cytogenetic location: 3q11.2.
Variant type: single nucleotide variant.
Coding change: c.337C>T on transcript NM_000097.7 (MANE Select); coding-DNA position 337, C replaced by T.
Protein change: p.Leu113=; no amino-acid change (leucine 113 retained).
Molecular consequence: synonymous variant.
Genome position (GRCh38, 1-based): chr3:98,593,168, G>A on the plus strand (C>T on the coding strand, the complement: CPOX is on the minus strand). VCF-style: chr3-98593168-G-A. GRCh37 (hg19) VCF-style: chr3-98312012-G-A.
Other names: p.Leu113=; c.337C>T, p.Leu113= (LRG_1077t1).
Identifiers: ClinVar variation 346986 (VCV000346986.18), dbSNP rs146543713, ClinGen allele CA2511726.

ClinVar aggregate classification (germline): Benign. Review status: criteria provided, multiple submitters, no conflicts (2 of 4 stars). 5 submissions from 5 submitters: Benign (4). 1 of the submissions does not count toward it. Last evaluated 2026-01-26.

Conditions:
CPOX-related disorder. Also called: CPOX-related condition; CPOX-related disorders.
Hereditary coproporphyria (HCP). Also called: Hereditary coproporphyria porphyria; Porphyria hepatica coproporphyria; Porphyria hepatica II; CPRO deficiency; COPROPORPHYRINOGEN OXIDASE DEFICIENCY; CPO DEFICIENCY. Identifiers: Orphanet 79273, MedGen C0162531, MONDO:0007369, OMIM 121300.

Allele frequency attached by ClinVar (database versions not stated): gnomAD exomes 0.00093 and 0.00234; ExAC 0.00299; gnomAD 0.00708 and 0.00770; 1000 Genomes Project 30x 0.00750; ESP Exome Variant Server 0.00756; 1000 Genomes Project 0.00759; TOPMed 0.00828.

Submissions (5):

Labcorp Genetics (formerly Invitae), Labcorp
Classification: Benign. Last evaluated: 2026-01-26. Review status: criteria provided, single submitter. Criteria: Invitae Variant Classification Sherloc (09022015). Collection method: clinical testing. Allele origin: germline.

Mayo Clinic Laboratories, Mayo Clinic
Classification: Benign. Last evaluated: 2024-10-21. Review status: criteria provided, single submitter. Criteria: ACMG Guidelines, 2015. Collection method: clinical testing. Allele origin: germline. Observed: 6 variant alleles.
Comment: BA1, BP4, BP7

Illumina Laboratory Services, Illumina
Classification: Benign for Hereditary coproporphyria. Last evaluated: 2018-01-12. Review status: criteria provided, single submitter. Criteria: ICSL Variant Classification Criteria 13 December 2019. Collection method: clinical testing. Allele origin: germline.
Comment: This variant was observed in the ICSL laboratory as part of a predisposition screen in an ostensibly healthy population. It had not been previously curated by ICSL or reported in the Human Gene Mutation Database (HGMD: prior to June 1st, 2018), and was therefore a candidate for classification through an automated scoring system. Utilizing variant allele frequency, disease prevalence and penetrance estimates, and inheritance mode, an automated score was calculated to assess if this variant is too frequent to cause the disease. Based on the score and internal cut-off values, a variant classified as benign is not then subjected to further curation. The score for this variant resulted in a classification of benign for this disease.

Breakthrough Genomics
Classification: Benign. Review status: criteria provided, single submitter. Criteria: ACMG Guidelines, 2015. Collection method: not provided. Allele origin: germline. Inheritance: Autosomal recessive inheritance. Affected: yes.

PreventionGenetics, part of Exact Sciences
Classification: Benign for CPOX-related condition. Last evaluated: 2019-09-17. Review status: no assertion criteria provided. Collection method: clinical testing. Allele origin: germline. Not counted in ClinVar's aggregate classification.
Comment: This variant is classified as benign based on ACMG/AMP sequence variant interpretation guidelines (Richards et al. 2015 PMID: 25741868, with internal and published modifications).